The following is an entry in ClinVar:

NM_000642.3(AGL):c.2578del (p.Val860fs)

Gene: AGL (amylo-alpha-1,6-glucosidase and 4-alpha-glucanotransferase; plus strand). Cytogenetic location: 1p21.2.
Variant type: Deletion.
Coding change: c.2578del on transcript NM_000642.3 (MANE Select); coding-DNA position 2578, one base deleted (G; older notation c.2578delG).
Protein change: p.Val860fs; shifts the reading frame from valine 860.
Molecular consequence: frameshift variant.
Genome position (GRCh38, 1-based): chr1:99,884,600, G deleted. VCF-style (leftmost placement, unchanged base first): chr1-99884599-TG-T. GRCh37 (hg19) VCF-style: chr1-100350155-TG-T.
Other names: c.2578delG, p.Val860Leufs (NM_000028.3, NM_000643.3, NM_000644.3 and 2 more transcripts); c.2530delG, p.Val844Leufs (NM_000646.3); c.2377delG, p.Val793Leufs (NM_001425327.1); c.2374delG, p.Val792Leufs (NM_001425328.1); c.2200delG, p.Val734Leufs (NM_001425332.1); short protein forms V844fs, V860fs.
Identifiers: ClinVar variation 2147587 (VCV002147587.4), dbSNP rs2524677141, ClinGen allele CA2580063441.

ClinVar aggregate classification (germline): Pathogenic (1 of 4 stars; one submission).

Conditions:
Glycogen storage disease type III (GSD3). Also called: Cori disease; FORBES DISEASE. Identifiers: Orphanet 366, MedGen C0017922, MONDO:0009291, OMIM 232400.

Submission:

Labcorp Genetics (formerly Invitae), Labcorp
Classification: Pathogenic for Glycogen storage disease type III. Last evaluated: 2023-12-11. Review status: criteria provided, single submitter. Criteria: Invitae Variant Classification Sherloc (09022015). Collection method: clinical testing. Allele origin: germline.
Comment: This sequence change creates a premature translational stop signal (p.Val860Leufs*8) in the AGL gene. It is expected to result in an absent or disrupted protein product. Loss-of-function variants in AGL are known to be pathogenic (PMID: 19299494). This variant is not present in population databases (gnomAD no frequency). This variant has not been reported in the literature in individuals affected with AGL-related conditions. ClinVar contains an entry for this variant (Variation ID: 2147587). For these reasons, this variant has been classified as Pathogenic.

Literature cited by the submitters: PubMed 19299494.